The following is an entry in ClinVar:

NM_139076.3(ABRAXAS1):c.254T>C (p.Leu85Pro)

Gene: ABRAXAS1 (abraxas 1, BRCA1 A complex subunit; minus strand). Cytogenetic location: 4q21.23.
Variant type: single nucleotide variant.
Coding change: c.254T>C on transcript NM_139076.3 (MANE Select); coding-DNA position 254, T replaced by C.
Protein change: p.Leu85Pro; replaces leucine 85 with proline.
Molecular consequence: missense variant. On other transcripts: intron variant (1).
Genome position (GRCh38, 1-based): chr4:83,472,250, A>G on the plus strand (T>C on the coding strand, the complement: ABRAXAS1 is on the minus strand). VCF-style: chr4-83472250-A-G. GRCh37 (hg19) VCF-style: chr4-84393403-A-G.
Other names: c.-45-1854T>C (NM_001345962.2); short protein forms L85P.
Identifiers: ClinVar variation 1799867 (VCV001799867.2), dbSNP rs2529443149, ClinGen allele CA357261080.

ClinVar aggregate classification (germline): Uncertain significance (1 of 4 stars; one submission).

Submission:

Ambry Genetics
Classification: Uncertain significance. Last evaluated: 2024-02-10. Review status: criteria provided, single submitter. Criteria: Ambry Variant Classification Scheme 2023. Collection method: clinical testing. Allele origin: germline.
Comment: The p.L85P variant (also known as c.254T>C), located in coding exon 4 of the FAM175A gene, results from a T to C substitution at nucleotide position 254. The leucine at codon 85 is replaced by proline, an amino acid with similar properties. This amino acid position is conserved. In addition, this alteration is predicted to be deleterious by in silico analysis. Since supporting evidence is limited at this time, the clinical significance of this alteration remains unclear.